The following is an entry in ClinVar:

NM_052844.4(DYNC2I2):c.188A>G (p.Lys63Arg)

Gene: DYNC2I2 (dynein 2 intermediate chain 2; minus strand). Cytogenetic location: 9q34.11.
Variant type: single nucleotide variant.
Coding change: c.188A>G on transcript NM_052844.4 (MANE Select); coding-DNA position 188, A replaced by G.
Protein change: p.Lys63Arg; replaces lysine 63 with arginine.
Molecular consequence: missense variant.
Genome position (GRCh38, 1-based): chr9:128,640,938, T>C on the plus strand (A>G on the coding strand, the complement: DYNC2I2 is on the minus strand). VCF-style: chr9-128640938-T-C. GRCh37 (hg19) VCF-style: chr9-131403217-T-C.
Other names: short protein forms K63R.
Identifiers: ClinVar variation 1944967 (VCV001944967.2), dbSNP rs1860504753, ClinGen allele CA375128606.

ClinVar aggregate classification (germline): Uncertain significance (1 of 4 stars; one submission).

Conditions:
Short-rib thoracic dysplasia 11 with or without polydactyly (SRTD11). Also called: SHORT-RIB THORACIC DYSPLASIA 11 WITHOUT POLYDACTYLY. Identifiers: Orphanet 474, Orphanet 93271, MedGen C3810200, MONDO:0014287, OMIM 615633.

Allele frequency attached by ClinVar (database versions not stated): gnomAD exomes below 0.00001; TOPMed below 0.00001; gnomAD 0.00001.

Submission:

Labcorp Genetics (formerly Invitae), Labcorp
Classification: Uncertain significance for Short-rib thoracic dysplasia 11 with or without polydactyly. Last evaluated: 2022-03-09. Review status: criteria provided, single submitter. Criteria: Invitae Variant Classification Sherloc (09022015). Collection method: clinical testing. Allele origin: germline.
Comment: This sequence change replaces lysine, which is basic and polar, with arginine, which is basic and polar, at codon 63 of the WDR34 protein (p.Lys63Arg). This variant is not present in population databases (gnomAD no frequency). This variant has not been reported in the literature in individuals affected with WDR34-related conditions. Algorithms developed to predict the effect of missense changes on protein structure and function output the following: SIFT: "Deleterious"; PolyPhen-2: "Benign"; Align-GVGD: "Class C0". The arginine amino acid residue is found in multiple mammalian species, which suggests that this missense change does not adversely affect protein function. Algorithms developed to predict the effect of sequence changes on RNA splicing suggest that this variant may create or strengthen a splice site. In summary, the available evidence is currently insufficient to determine the role of this variant in disease. Therefore, it has been classified as a Variant of Uncertain Significance.